The following is an entry in ClinVar:

ClinVar aggregate classification (germline): Uncertain significance (1 of 4 stars; one submission).

Conditions:
Anterior segment dysgenesis. Also called: Ocular anterior segment dysgenesis. Identifiers: Orphanet 88632, MedGen C1862839, MONDO:0019503, HP:0007700.
Congenital primary aphakia. Also called: ANTERIOR SEGMENT DYSGENESIS 2; Anterior segment dysgenesis 2, multiple subtypes. Identifiers: Orphanet 83461, MedGen C1853230, MONDO:0012456, OMIM 610256.

Allele frequency attached by ClinVar (database versions not stated): gnomAD exomes below 0.00001; TOPMed below 0.00001; gnomAD 0.00001.
gnomAD v4.1: 3 of 1,403,896 alleles (0.00021%); highest among the groups gnomAD compares: South Asian, 0.0015%; no homozygotes.

Submission:

Labcorp Genetics (formerly Invitae), Labcorp
Classification: Uncertain significance for Anterior segment dysgenesis; Congenital primary aphakia. Last evaluated: 2021-06-09. Review status: criteria provided, single submitter. Criteria: Invitae Variant Classification Sherloc (09022015). Collection method: clinical testing. Allele origin: germline.
Comment: In summary, the available evidence is currently insufficient to determine the role of this variant in disease. Therefore, it has been classified as a Variant of Uncertain Significance. Algorithms developed to predict the effect of missense changes on protein structure and function are either unavailable or do not agree on the potential impact of this missense change (SIFT: "Tolerated"; PolyPhen-2: "Probably Damaging"; Align-GVGD: "Class C0"). This variant has not been reported in the literature in individuals with FOXE3-related conditions. The frequency data for this variant in the population databases is considered unreliable, as metrics indicate insufficient coverage at this position in the ExAC database. This sequence change replaces glycine with aspartic acid at codon 277 of the FOXE3 protein (p.Gly277Asp). The glycine residue is weakly conserved and there is a moderate physicochemical difference between glycine and aspartic acid.

NM_012186.3(FOXE3):c.830G>A (p.Gly277Asp)

Genes: FOXE3 (forkhead box E3; plus strand), LINC01389 (long independently transcribed non-coding RNA 1389; minus strand). Cytogenetic location: 1p33.
Variant type: single nucleotide variant.
Coding change: c.830G>A on transcript NM_012186.3 (MANE Select); coding-DNA position 830, G replaced by A.
Protein change: p.Gly277Asp; replaces glycine 277 with aspartic acid.
Molecular consequence: missense variant.
Genome position (GRCh38, 1-based): chr1:47,417,145, G>A. VCF-style: chr1-47417145-G-A. GRCh37 (hg19) VCF-style: chr1-47882817-G-A.
Other names: short protein forms G277D.
Identifiers: ClinVar variation 1513316 (VCV001513316.8), dbSNP rs1189285117, ClinGen allele CA340250809.
Genomic context (GRCh38, chr1:47,417,145, plus strand): 5'-CCTCCCCGCCACTCTACTCGCAGGTCCCCGACCGCCTGGTACTGCCCGCGACGCGCCCCG[G>A]CCCCGGCCCGCTGCCCGCTGAGCCCCTCCTGGCCTTGGCCGGGCCGGCAGCCGCTCTCGG-3'
Protein context (NP_036318.1, residues 267-287): DRLVLPATRP[Gly277Asp]PGPLPAEPLL